The following is an entry in ClinVar:

ClinVar aggregate classification (germline): Likely pathogenic (1 of 4 stars; one submission).

Conditions:
Familial cancer of breast. Also called: Hereditary breast cancer; BREAST CANCER, FAMILIAL; hereditary breast carcinoma. Identifiers: Orphanet 227535, MedGen C0346153, MONDO:0016419, OMIM 114480. Disease mechanism: loss of function.
Fanconi anemia complementation group J. Also called: BRIP1-Related Fanconi Anemia. Identifiers: Orphanet 84, MedGen C1836860, MONDO:0012187, OMIM 609054.

gnomAD v4.1: 1 of 1,614,030 alleles (0.000062%); highest among the groups gnomAD compares: Non-Finnish European, 0.000085%; no homozygotes.

Submission:

Labcorp Genetics (formerly Invitae), Labcorp
Classification: Likely pathogenic for Familial cancer of breast; Fanconi anemia complementation group J. Last evaluated: 2023-09-10. Review status: criteria provided, single submitter. Criteria: Invitae Variant Classification Sherloc (09022015). Collection method: clinical testing. Allele origin: germline.
Comment: This variant has not been reported in the literature in individuals affected with BRIP1-related conditions. This variant is not present in population databases (gnomAD no frequency). This sequence change affects a donor splice site in intron 14 of the BRIP1 gene. It is expected to disrupt RNA splicing. Variants that disrupt the donor or acceptor splice site typically lead to a loss of protein function (PMID: 16199547), and loss-of-function variants in BRIP1 are known to be pathogenic (PMID: 16116423, 17033622, 21964575). ClinVar contains an entry for this variant (Variation ID: 663533). In summary, the currently available evidence indicates that the variant is pathogenic, but additional data are needed to prove that conclusively. Therefore, this variant has been classified as Likely Pathogenic. Algorithms developed to predict the effect of sequence changes on RNA splicing suggest that this variant may disrupt the consensus splice site.

Literature cited by the submitters: PubMed 16199547; PubMed 16116423; PubMed 17033622; PubMed 21964575.

NM_032043.3(BRIP1):c.2097+1G>T

Gene: BRIP1 (BRCA1 interacting DNA helicase 1; minus strand). Cytogenetic location: 17q23.2.
Variant type: single nucleotide variant.
Coding change: c.2097+1G>T on transcript NM_032043.3 (MANE Select); the canonical splice donor site of the intron after coding-DNA position 2097, G replaced by T.
Molecular consequence: splice donor variant.
Genome position (GRCh38, 1-based): chr17:61,776,400, C>A on the plus strand (G>T on the coding strand, the complement: BRIP1 is on the minus strand). VCF-style: chr17-61776400-C-A. GRCh37 (hg19) VCF-style: chr17-59853761-C-A.
Identifiers: ClinVar variation 663533 (VCV000663533.10), dbSNP rs786202941, ClinGen allele CA400477947.